The following is an entry in ClinVar:

ClinVar aggregate classification (germline): Pathogenic/Likely pathogenic. Review status: criteria provided, multiple submitters, no conflicts (2 of 4 stars). 2 submissions from 2 submitters: Pathogenic (1); Likely pathogenic (1). Last evaluated 2023-06-19.

Conditions:
Neurofibromatosis, type 1 (NF1). Also called: NEUROFIBROMATOSIS, TYPE I, SOMATIC; VON RECKLINGHAUSEN DISEASE; Peripheral type neurofibromatosis; Neurofibromatosis, type I. Identifiers: Orphanet 636, MedGen C0027831, MONDO:0018975, OMIM 162200. Disease mechanism: loss of function.

Submissions (2):

Labcorp Genetics (formerly Invitae), Labcorp
Classification: Pathogenic for Neurofibromatosis, type 1. Last evaluated: 2023-06-19. Review status: criteria provided, single submitter. Criteria: Invitae Variant Classification Sherloc (09022015). Collection method: clinical testing. Allele origin: germline.
Comment: This sequence change creates a premature translational stop signal (p.Gln369Leufs*6) in the NF1 gene. It is expected to result in an absent or disrupted protein product. Loss-of-function variants in NF1 are known to be pathogenic (PMID: 10712197, 23913538). This variant is not present in population databases (gnomAD no frequency). This variant has not been reported in the literature in individuals affected with NF1-related conditions. ClinVar contains an entry for this variant (Variation ID: 547583). For these reasons, this variant has been classified as Pathogenic.

Center for Human Genetics, Inc
Classification: Likely pathogenic for Neurofibromatosis, type 1. Last evaluated: 2016-11-01. Review status: criteria provided, single submitter. Criteria: ACMG Guidelines, 2015. Collection method: clinical testing. Allele origin: germline. Affected: yes.

Literature cited by the submitters: PubMed 10712197 (cited by Labcorp Genetics (formerly Invitae), Labcorp); PubMed 23913538 (cited by Labcorp Genetics (formerly Invitae), Labcorp).

NM_001042492.3(NF1):c.1104_1107del (p.Gln369fs)

Gene: NF1 (neurofibromin 1; plus strand). Cytogenetic location: 17q11.2.
Variant type: Deletion.
Coding change: c.1104_1107del on transcript NM_001042492.3 (MANE Select); coding-DNA positions 1104 to 1107, 4 bases deleted (TCAG; older notation c.1104_1107delTCAG).
Protein change: p.Gln369fs; shifts the reading frame from glutamine 369.
Molecular consequence: frameshift variant.
Genome position (GRCh38, 1-based): chr17:31,201,078-31,201,081, TCAG deleted; deleting any 4 consecutive bases within chr17:31,201,075-31,201,081 gives the same sequence; the c. name uses the placement nearest the transcript's 3' end. VCF-style (leftmost placement, unchanged base first): chr17-31201074-GCAGT-G. GRCh37 (hg19) VCF-style: chr17-29528092-GCAGT-G.
Other names: c.1104_1107delTCAG (NM_000267.3); c.1104_1107delTCAG, p.Gln369Leufs (NM_000267.4); c.1104_1107del, p.Gln369fs (NM_001128147.3); short protein forms Q369fs.
Identifiers: ClinVar variation 547583 (VCV000547583.4), dbSNP rs1555610984, ClinGen allele CA658825049.
Genomic context (GRCh38, chr17:31,201,074, plus strand): 5'-GTTTTCTGTTGGGGTTTTTATAGAACCTGCTTTTTAATCCAAGTAAGCCATTCTCAAGAG[GCAGT>G]CAGCCTGCAGATGTGGATCTAATGATTGACTGCCTTGTTTCTTGCTTTCGTATAAGCCCT-3'